The following is an entry in ClinVar:

ClinVar aggregate classification (germline): Uncertain significance (1 of 4 stars; one submission).

Conditions:
Tatton-Brown-Rahman overgrowth syndrome. Also called: Tall stature-intellectual disability-facial dysmorphism syndrome; Tatton-Brown-Rahman syndrome. Identifiers: Orphanet 404443, MedGen C4014545, MONDO:0014382, OMIM 615879.

gnomAD v4.1: 9 of 1,613,888 alleles (0.00056%); highest among the groups gnomAD compares: Non-Finnish European, 0.00076%; no homozygotes.

Submission:

Labcorp Genetics (formerly Invitae), Labcorp
Classification: Uncertain significance for Tatton-Brown-Rahman overgrowth syndrome. Last evaluated: 2025-08-03. Review status: criteria provided, single submitter. Criteria: Invitae Variant Classification Sherloc (09022015). Collection method: clinical testing. Allele origin: germline.
Comment: This sequence change replaces aspartic acid, which is acidic and polar, with asparagine, which is neutral and polar, at codon 391 of the DNMT3A protein (p.Asp391Asn). This variant is present in population databases (rs779155323, gnomAD 0.002%). This variant has not been reported in the literature in individuals affected with DNMT3A-related conditions. Invitae Evidence Modeling of protein sequence and biophysical properties (such as structural, functional, and spatial information, amino acid conservation, physicochemical variation, residue mobility, and thermodynamic stability) indicates that this missense variant is not expected to disrupt DNMT3A protein function with a negative predictive value of 95%. In summary, the available evidence is currently insufficient to determine the role of this variant in disease. Therefore, it has been classified as a Variant of Uncertain Significance.

NM_022552.5(DNMT3A):c.1171G>A (p.Asp391Asn)

Gene: DNMT3A (DNA methyltransferase 3 alpha; minus strand). Cytogenetic location: 2p23.3.
Variant type: single nucleotide variant.
Coding change: c.1171G>A on transcript NM_022552.5 (MANE Select); coding-DNA position 1171, G replaced by A.
Protein change: p.Asp391Asn; replaces aspartic acid 391 with asparagine.
Molecular consequence: missense variant. On other transcripts: non-coding transcript variant (1).
Genome position (GRCh38, 1-based): chr2:25,246,728, C>T on the plus strand (G>A on the coding strand, the complement: DNMT3A is on the minus strand). VCF-style: chr2-25246728-C-T. GRCh37 (hg19) VCF-style: chr2-25469597-C-T.
Other names: c.715G>A, p.Asp239Asn (NM_001320893.1); c.502G>A, p.Asp168Asn (NM_001375819.1); c.604G>A, p.Asp202Asn (NM_153759.3); c.1171G>A, p.Asp391Asn (NM_175629.2); short protein forms D239N, D202N, D168N, D391N.
Identifiers: ClinVar variation 4740279 (VCV004740279.1).